The following is an entry in ClinVar:

ClinVar aggregate classification (germline): Uncertain significance (1 of 4 stars; one submission).

Conditions:
Familial cold autoinflammatory syndrome 2 (FCAS2). Identifiers: Orphanet 247868, MedGen C2673198, MONDO:0012724, OMIM 611762.

Submission:

Labcorp Genetics (formerly Invitae), Labcorp
Classification: Uncertain significance for Familial cold autoinflammatory syndrome 2. Last evaluated: 2022-05-24. Review status: criteria provided, single submitter. Criteria: Invitae Variant Classification Sherloc (09022015). Collection method: clinical testing. Allele origin: germline.
Comment: In summary, the available evidence is currently insufficient to determine the role of this variant in disease. Therefore, it has been classified as a Variant of Uncertain Significance. Algorithms developed to predict the effect of missense changes on protein structure and function output the following: SIFT: "Tolerated"; PolyPhen-2: "Benign"; Align-GVGD: "Class C0". The leucine amino acid residue is found in multiple mammalian species, which suggests that this missense change does not adversely affect protein function. This variant has not been reported in the literature in individuals affected with NLRP12-related conditions. This variant is not present in population databases (gnomAD no frequency). This sequence change replaces phenylalanine, which is neutral and non-polar, with leucine, which is neutral and non-polar, at codon 614 of the NLRP12 protein (p.Phe614Leu).

NM_144687.4(NLRP12):c.1842C>G (p.Phe614Leu)

Gene: NLRP12 (NLR family pyrin domain containing 12; minus strand). Cytogenetic location: 19q13.42.
Variant type: single nucleotide variant.
Coding change: c.1842C>G on transcript NM_144687.4 (MANE Select); coding-DNA position 1842, C replaced by G.
Protein change: p.Phe614Leu; replaces phenylalanine 614 with leucine.
Molecular consequence: missense variant.
Genome position (GRCh38, 1-based): chr19:53,809,817, G>C on the plus strand (C>G on the coding strand, the complement: NLRP12 is on the minus strand). VCF-style: chr19-53809817-G-C. GRCh37 (hg19) VCF-style: chr19-54313071-G-C.
Other names: c.1842C>G, p.Phe614Leu (NM_001277126.2, NM_001277129.1); short protein forms F614L.
Identifiers: ClinVar variation 1998321 (VCV001998321.4), dbSNP rs2514331994, ClinGen allele CA407412357.